The following is an entry in ClinVar:

NM_001365276.2(TNXB):c.5908GAG[2] (p.Glu1972del)

Gene: TNXB (tenascin XB; minus strand). Cytogenetic location: 6p21.33.
Variant type: Microsatellite.
Coding change: c.5908GAG[2] on transcript NM_001365276.2 (MANE Select); two copies in a row of the 3-base unit GAG starting at c.5908; the reference has three copies in a row; one copy, 3 bases deleted.
Protein change: p.Glu1972del; deletes glutamic acid 1972.
Genome position (GRCh38, 1-based): chr6:32,068,694-32,068,696, CTC deleted on the plus strand (GAG on the coding strand, the reverse complement: TNXB is on the minus strand); deleting any 3 consecutive bases within chr6:32,068,694-32,068,703 gives the same sequence; the position shown is the placement nearest the transcript's 3' end. VCF-style (leftmost placement, unchanged base first): chr6-32068693-TCTC-T. GRCh37 (hg19) VCF-style: chr6-32036470-TCTC-T.
Other names: c.5914_5916delGAG (NM_019105.8); c.6649GAG[2], p.Glu2219del (NM_001428335.1); c.5908GAG[2], p.Glu1972del (NM_019105.8); short protein forms E1972del, E2219del.
Identifiers: ClinVar variation 4537013 (VCV004537013.1).

ClinVar aggregate classification (germline): Uncertain significance (1 of 4 stars; one submission).

Submission:

Women's Health and Genetics/Laboratory Corporation of America, LabCorp
Classification: Uncertain significance. Last evaluated: 2025-11-06. Review status: criteria provided, single submitter. Criteria: LabCorp Variant Classification Summary - May 2015. Collection method: clinical testing. Allele origin: germline.
Comment: Variant summary: TNXB c.5914_5916delGAG (p.Glu1972del) results in an in-frame deletion that is predicted to remove one amino acid from the encoded protein. The variant allele was found at a frequency of 4e-06 in 248454 control chromosomes (gnomAD). The available data on variant occurrences in the general population are insufficient to allow any conclusion about variant significance. To our knowledge, no occurrence of c.5914_5916delGAG in individuals affected with TNXB-related conditions and no experimental evidence demonstrating its impact on protein function have been reported. No submitters have cited clinical-significance assessments for this variant to ClinVar. Based on the evidence outlined above, the variant was classified as uncertain significance.